The following is an entry in ClinVar:

ClinVar aggregate classification (germline): Uncertain significance (1 of 4 stars; one submission).

Conditions:
Developmental and epileptic encephalopathy, 14 (DEE14). Also called: Early infantile epileptic encephalopathy 14. Identifiers: Orphanet 293181, MedGen C3554195, MONDO:0013989, OMIM 614959.
Autosomal dominant nocturnal frontal lobe epilepsy 5. Also called: Epilepsy, nocturnal frontal lobe, 5; KCNT1-Related Epilepsy; CILIARY DYSKINESIA, PRIMARY, 28, WITHOUT SITUS INVERSUS; CILIARY DYSKINESIA, PRIMARY, 28, WITH SITUS INVERSUS. Identifiers: Orphanet 98784, MedGen C3554306, MONDO:0014002, OMIM 615005.

Allele frequency attached by ClinVar (database versions not stated): gnomAD 0.00001; TOPMed 0.00002.
gnomAD v4.1: 6 of 1,603,798 alleles (0.00037%); highest among the groups gnomAD compares: East Asian, 0.013%; no homozygotes.

Submission:

Labcorp Genetics (formerly Invitae), Labcorp
Classification: Uncertain significance for Autosomal dominant nocturnal frontal lobe epilepsy 5; Developmental and epileptic encephalopathy, 14. Last evaluated: 2024-03-02. Review status: criteria provided, single submitter. Criteria: Invitae Variant Classification Sherloc (09022015). Collection method: clinical testing. Allele origin: germline.
Comment: This sequence change replaces lysine, which is basic and polar, with glutamine, which is neutral and polar, at codon 1154 of the KCNT1 protein (p.Lys1154Gln). This variant is present in population databases (rs750176430, gnomAD 0.02%). This missense change has been observed in individual(s) with drug-resistant seizures and intellectual disability (PMID: 29314583). ClinVar contains an entry for this variant (Variation ID: 643691). Advanced modeling of protein sequence and biophysical properties (such as structural, functional, and spatial information, amino acid conservation, physicochemical variation, residue mobility, and thermodynamic stability) performed at Invitae indicates that this missense variant is not expected to disrupt KCNT1 protein function with a negative predictive value of 80%. In summary, the available evidence is currently insufficient to determine the role of this variant in disease. Therefore, it has been classified as a Variant of Uncertain Significance.

Literature cited by the submitters: PubMed 29314583.

NM_020822.3(KCNT1):c.3460A>C (p.Lys1154Gln)

Gene: KCNT1 (potassium sodium-activated channel subfamily T member 1; plus strand). Cytogenetic location: 9q34.3.
Variant type: single nucleotide variant.
Coding change: c.3460A>C on transcript NM_020822.3 (MANE Select); coding-DNA position 3460, A replaced by C.
Protein change: p.Lys1154Gln; replaces lysine 1154 with glutamine.
Molecular consequence: missense variant.
Genome position (GRCh38, 1-based): chr9:135,786,479, A>C. VCF-style: chr9-135786479-A-C. GRCh37 (hg19) VCF-style: chr9-138678325-A-C.
Other names: c.3325A>C, p.Lys1109Gln (NM_001272003.2); short protein forms K1109Q, K1154Q.
Identifiers: ClinVar variation 643691 (VCV000643691.7), dbSNP rs750176430, ClinGen allele CA5327824.